The following is an entry in ClinVar:

NM_001184900.3(CARD8):c.897G>A (p.Met299Ile)

Gene: CARD8 (caspase recruitment domain family member 8; minus strand). Cytogenetic location: 19q13.33.
Variant type: single nucleotide variant.
Coding change: c.897G>A on transcript NM_001184900.3 (MANE Select); coding-DNA position 897, G replaced by A.
Protein change: p.Met299Ile; replaces methionine 299 with isoleucine.
Molecular consequence: missense variant. On other transcripts: non-coding transcript variant (4).
Genome position (GRCh38, 1-based): chr19:48,230,576, C>T on the plus strand (G>A on the coding strand, the complement: CARD8 is on the minus strand). VCF-style: chr19-48230576-C-T. GRCh37 (hg19) VCF-style: chr19-48733833-C-T.
Other names: c.747G>A, p.Met249Ile (NM_001184901.1, NM_001351783.2, NM_001351788.2 and 2 more transcripts); c.897G>A, p.Met299Ile (NM_001184902.2, NM_001184903.1, NM_001351782.2); c.582G>A, p.Met194Ile (NM_001351784.2, NM_001351787.2, NM_001351791.2 and 1 more transcripts); c.561G>A, p.Met187Ile (NM_001351786.2); c.654G>A, p.Met218Ile (NM_001351790.2); c.579G>A, p.Met193Ile (NM_001365950.1); short protein forms M187I, M194I, M249I, M193I, M218I, M299I.
Identifiers: ClinVar variation 1521685 (VCV001521685.6), dbSNP rs2146190684, ClinGen allele CA406643894.

ClinVar aggregate classification (germline): Uncertain significance (1 of 4 stars; one submission).

Submission:

Labcorp Genetics (formerly Invitae), Labcorp
Classification: Uncertain significance. Last evaluated: 2021-09-26. Review status: criteria provided, single submitter. Criteria: Invitae Variant Classification Sherloc (09022015). Collection method: clinical testing. Allele origin: germline.
Comment: In summary, the available evidence is currently insufficient to determine the role of this variant in disease. Therefore, it has been classified as a Variant of Uncertain Significance. Algorithms developed to predict the effect of sequence changes on RNA splicing suggest that this variant may create or strengthen a splice site. Algorithms developed to predict the effect of missense changes on protein structure and function are either unavailable or do not agree on the potential impact of this missense change (SIFT: "Tolerated"; PolyPhen-2: "Probably Damaging"; Align-GVGD: "Class C0"). This variant has not been reported in the literature in individuals affected with CARD8-related conditions. This variant is not present in population databases (ExAC no frequency). This sequence change replaces methionine with isoleucine at codon 249 of the CARD8 protein (p.Met249Ile). The methionine residue is highly conserved and there is a small physicochemical difference between methionine and isoleucine.